The following is an entry in ClinVar:

NM_032776.3(JMJD1C):c.2266C>T (p.Pro756Ser)

Gene: JMJD1C (jumonji domain containing 1C; minus strand). Cytogenetic location: 10q21.3.
Variant type: single nucleotide variant.
Coding change: c.2266C>T on transcript NM_032776.3 (MANE Select); coding-DNA position 2266, C replaced by T.
Protein change: p.Pro756Ser; replaces proline 756 with serine.
Molecular consequence: missense variant. On other transcripts: non-coding transcript variant (1).
Genome position (GRCh38, 1-based): chr10:63,213,901, G>A on the plus strand (C>T on the coding strand, the complement: JMJD1C is on the minus strand). VCF-style: chr10-63213901-G-A. GRCh37 (hg19) VCF-style: chr10-64973661-G-A.
Other names: c.1720C>T, p.Pro574Ser (NM_001282948.2, NM_001318154.2); c.1402C>T, p.Pro468Ser (NM_001318153.2); c.2152C>T, p.Pro718Ser (NM_001322252.2); c.1609C>T, p.Pro537Ser (NM_001322254.2, NM_001322258.2); short protein forms P468S, P537S, P718S, P756S, P574S.
Identifiers: ClinVar variation 1469074 (VCV001469074.6), dbSNP rs2133215948, ClinGen allele CA377046333.

ClinVar aggregate classification (germline): Uncertain significance (1 of 4 stars; one submission).

Conditions:
Early Myoclonic Encephalopathy. Identifiers: MedGen C0270855.

Submission:

Labcorp Genetics (formerly Invitae), Labcorp
Classification: Uncertain significance for Early Myoclonic Encephalopathy. Last evaluated: 2025-08-21. Review status: criteria provided, single submitter. Criteria: Invitae Variant Classification Sherloc (09022015). Collection method: clinical testing. Allele origin: germline.
Comment: This sequence change replaces proline, which is neutral and non-polar, with serine, which is neutral and polar, at codon 756 of the JMJD1C protein (p.Pro756Ser). This variant is not present in population databases (gnomAD no frequency). This variant has not been reported in the literature in individuals affected with JMJD1C-related conditions. ClinVar contains an entry for this variant (Variation ID: 1469074). Invitae Evidence Modeling of protein sequence and biophysical properties (such as structural, functional, and spatial information, amino acid conservation, physicochemical variation, residue mobility, and thermodynamic stability) indicates that this missense variant is not expected to disrupt JMJD1C protein function with a negative predictive value of 80%. In summary, the available evidence is currently insufficient to determine the role of this variant in disease. Therefore, it has been classified as a Variant of Uncertain Significance.